The following is an entry in ClinVar:

NM_001127511.3(APC):c.77G>T (p.Ser26Ile)

Gene: APC (APC regulator of Wnt signaling pathway; plus strand). Cytogenetic location: 5q22.2.
Variant type: single nucleotide variant.
Coding change: c.77G>T on transcript NM_001127511.3; coding-DNA position 77, G replaced by T.
Protein change: p.Ser26Ile; replaces serine 26 with isoleucine.
Molecular consequence: missense variant. On other transcripts: 5 prime UTR variant (8), non-coding transcript variant (1), intron variant (5).
Genome position (GRCh38, 1-based): chr5:112,707,794, G>T. VCF-style: chr5-112707794-G-T. GRCh37 (hg19) VCF-style: chr5-112043491-G-T.
Other names: c.-107G>T (NM_001354895.2, NM_001407447.1, NM_001407452.1 and 3 more transcripts); c.77G>T, p.Ser26Ile (NM_001354897.2, NM_001354902.2, NM_001407446.1); c.-1142G>T (NM_001407470.1, NM_001407472.1); c.-19+145G>T (NM_001407448.1, NM_001407450.1, NM_001407457.1 and 1 more transcripts); c.-43+145G>T (NM_001407453.1); short protein forms S26I.
Identifiers: ClinVar variation 650640 (VCV000650640.13), dbSNP rs775738268, ClinGen allele CA360611880.

ClinVar aggregate classification (germline): Uncertain significance. Review status: criteria provided, multiple submitters, no conflicts (2 of 4 stars). 3 submissions from 3 submitters: Uncertain significance (2). 1 of the submissions does not count toward it. Last evaluated 2025-05-11.

Conditions:
Familial adenomatous polyposis 1 (FAP1). Also called: FAMILIAL ADENOMATOUS POLYPOSIS 1, ATTENUATED; POLYPOSIS, ADENOMATOUS INTESTINAL. Identifiers: MedGen C2713442, MONDO:0021056, OMIM 175100. Disease mechanism: loss of function.
APC-related disorder. Also called: APC-related condition.

Allele frequency attached by ClinVar (database versions not stated): gnomAD 0.00001; TOPMed below 0.00001.
gnomAD v4.1: 6 of 1,370,558 alleles (0.00044%); highest among the groups gnomAD compares: Non-Finnish European, 0.00048%; no homozygotes.

Submissions (3):

Labcorp Genetics (formerly Invitae), Labcorp
Classification: Uncertain significance for Familial adenomatous polyposis 1. Last evaluated: 2025-05-11. Review status: criteria provided, single submitter. Criteria: Invitae Variant Classification Sherloc (09022015). Collection method: clinical testing. Allele origin: germline.
Comment: This variant occurs in a non-coding region of the APC gene. It does not change the encoded amino acid sequence of the APC protein. This variant is present in population databases (no rsID available, gnomAD 0.004%). This variant has not been reported in the literature in individuals affected with APC-related conditions. ClinVar contains an entry for this variant (Variation ID: 650640). Experimental studies and prediction algorithms are not available or were not evaluated, and the functional significance of this variant is currently unknown. In summary, the available evidence is currently insufficient to determine the role of this variant in disease. Therefore, it has been classified as a Variant of Uncertain Significance.

Institute for Clinical Genetics, University Hospital TU Dresden, University Hospital TU Dresden
Classification: Uncertain significance. Last evaluated: 2021-11-03. Review status: criteria provided, single submitter. Criteria: ACMG Guidelines, 2015. Collection method: clinical testing. Allele origin: germline.

PreventionGenetics, part of Exact Sciences
Classification: Uncertain significance for APC-related condition. Last evaluated: 2024-04-26. Review status: no assertion criteria provided. Collection method: clinical testing. Allele origin: germline. Not counted in ClinVar's aggregate classification.
Comment: The APC c.77G>T variant is predicted to result in the amino acid substitution p.Ser26Ile. To our knowledge, this variant has not been reported in the literature. This variant is reported in 0.0038% of alleles in individuals of European (Non-Finnish) descent in gnomAD. This variant is interpreted as a variant of uncertain significance in ClinVar. At this time, the clinical significance of this variant is uncertain due to the absence of conclusive functional and genetic evidence.